The following is an entry in ClinVar:

NM_182961.4(SYNE1):c.10700C>T (p.Ala3567Val)

Gene: SYNE1 (spectrin repeat containing nuclear envelope protein 1; minus strand). Cytogenetic location: 6q25.2.
Variant type: single nucleotide variant.
Coding change: c.10700C>T on transcript NM_182961.4 (MANE Select); coding-DNA position 10700, C replaced by T.
Protein change: p.Ala3567Val; replaces alanine 3567 with valine.
Molecular consequence: missense variant.
Genome position (GRCh38, 1-based): chr6:152,354,885, G>A on the plus strand (C>T on the coding strand, the complement: SYNE1 is on the minus strand). VCF-style: chr6-152354885-G-A. GRCh37 (hg19) VCF-style: chr6-152676020-G-A.
Other names: c.10721C>T, p.Ala3574Val (NM_033071.5); short protein forms A3567V, A3574V.
Identifiers: ClinVar variation 1514663 (VCV001514663.6), dbSNP rs2154051091, ClinGen allele CA366125556.

ClinVar aggregate classification (germline): Uncertain significance (1 of 4 stars; one submission).

Conditions:
Emery-Dreifuss muscular dystrophy 4, autosomal dominant (EDMD4). Also called: EMERY-DREIFUSS MUSCULAR DYSTROPHY 4 WITH VARIABLE FEATURES. Identifiers: Orphanet 261, MedGen C2751807, MONDO:0013071, OMIM 612998.
Autosomal recessive ataxia, Beauce type. Also called: Spinocerebellar ataxia, autosomal recessive 8; ATAXIA, RECESSIVE, OF BEAUCE; SYNE1 Deficiency; SYNE1-Related Autosomal Recessive Cerebellar Ataxia. Identifiers: Orphanet 88644, MedGen C1853116, MONDO:0012549, OMIM 610743.

gnomAD v4.1: 2 of 1,614,164 alleles (0.00012%); highest among the groups gnomAD compares: Non-Finnish European, 0.00017%; no homozygotes.

Submission:

Labcorp Genetics (formerly Invitae), Labcorp
Classification: Uncertain significance for Emery-Dreifuss muscular dystrophy 4, autosomal dominant; Autosomal recessive ataxia, Beauce type. Last evaluated: 2022-11-08. Review status: criteria provided, single submitter. Criteria: Invitae Variant Classification Sherloc (09022015). Collection method: clinical testing. Allele origin: germline.
Comment: Algorithms developed to predict the effect of sequence changes on RNA splicing suggest that this variant may create or strengthen a splice site. In summary, the available evidence is currently insufficient to determine the role of this variant in disease. Therefore, it has been classified as a Variant of Uncertain Significance. Algorithms developed to predict the effect of missense changes on protein structure and function output the following: SIFT: "Tolerated"; PolyPhen-2: "Benign"; Align-GVGD: "Class C0". The valine amino acid residue is found in multiple mammalian species, which suggests that this missense change does not adversely affect protein function. ClinVar contains an entry for this variant (Variation ID: 1514663). This variant has not been reported in the literature in individuals affected with SYNE1-related conditions. This variant is not present in population databases (gnomAD no frequency). This sequence change replaces alanine, which is neutral and non-polar, with valine, which is neutral and non-polar, at codon 3574 of the SYNE1 protein (p.Ala3574Val).